The following is an entry in ClinVar:

ClinVar aggregate classification (germline): Uncertain significance (1 of 4 stars; one submission).

gnomAD v4.1: 1 of 1,613,464 alleles (0.000062%); highest among the groups gnomAD compares: South Asian, 0.0011%; no homozygotes.

Submission:

Ambry Genetics
Classification: Uncertain significance. Last evaluated: 2026-03-12. Review status: criteria provided, single submitter. Criteria: Ambry Variant Classification Scheme 2023. Collection method: clinical testing. Allele origin: germline.
Comment: The p.H900D variant (also known as c.2698C>G), located in coding exon 11 of the WNK2 gene, results from a C to G substitution at nucleotide position 2698. The histidine at codon 900 is replaced by aspartic acid, an amino acid with similar properties. This amino acid position is conserved. In addition, the in silico prediction for this alteration is inconclusive. Based on the available evidence, the clinical significance of this variant remains unclear.

NM_006648.4(WNK2):c.2698C>G (p.His900Asp)

Gene: WNK2 (WNK lysine deficient protein kinase 2; plus strand). Cytogenetic location: 9q22.31.
Variant type: single nucleotide variant.
Coding change: c.2698C>G on transcript NM_006648.4 (MANE Select); coding-DNA position 2698, C replaced by G.
Protein change: p.His900Asp; replaces histidine 900 with aspartic acid.
Molecular consequence: missense variant.
Genome position (GRCh38, 1-based): chr9:93,259,246, C>G. VCF-style: chr9-93259246-C-G. GRCh37 (hg19) VCF-style: chr9-96021528-C-G.
Other names: c.2698C>G, p.His900Asp (NM_001282394.3); short protein forms H900D.
Identifiers: ClinVar variation 4826258 (VCV004826258.1).